The following is an entry in ClinVar:

ClinVar aggregate classification (germline): Uncertain significance (0 of 4 stars; one submission).

Conditions:
ABCB11-related disorder. Also called: ABCB11-related condition.

Submission:

PreventionGenetics, part of Exact Sciences
Classification: Uncertain significance for ABCB11-related condition. Last evaluated: 2024-03-27. Review status: no assertion criteria provided. Collection method: clinical testing. Allele origin: germline.
Comment: The ABCB11 c.425C>A variant is predicted to result in the amino acid substitution p.Ala142Asp. To our knowledge, this variant has not been reported in the literature or in a large population database, indicating this variant is rare. At this time, the clinical significance of this variant is uncertain due to the absence of conclusive functional and genetic evidence.

NM_003742.4(ABCB11):c.425C>A (p.Ala142Asp)

Gene: ABCB11 (ATP binding cassette subfamily B member 11; minus strand). Cytogenetic location: 2q31.1.
Variant type: single nucleotide variant.
Coding change: c.425C>A on transcript NM_003742.4 (MANE Select); coding-DNA position 425, C replaced by A.
Protein change: p.Ala142Asp; replaces alanine 142 with aspartic acid.
Molecular consequence: missense variant.
Genome position (GRCh38, 1-based): chr2:168,996,687, G>T on the plus strand (C>A on the coding strand, the complement: ABCB11 is on the minus strand). VCF-style: chr2-168996687-G-T. GRCh37 (hg19) VCF-style: chr2-169853197-G-T.
Other names: short protein forms A142D.
Identifiers: ClinVar variation 3348993 (VCV003348993.1).